The following is an entry in ClinVar:

NM_001194.4(HCN2):c.449G>T (p.Gly150Val)

Gene: HCN2 (hyperpolarization activated cyclic nucleotide gated potassium and sodium channel 2; plus strand). Cytogenetic location: 19p13.3.
Variant type: single nucleotide variant.
Coding change: c.449G>T on transcript NM_001194.4 (MANE Select); coding-DNA position 449, G replaced by T.
Protein change: p.Gly150Val; replaces glycine 150 with valine.
Molecular consequence: missense variant.
Genome position (GRCh38, 1-based): chr19:590,394, G>T. VCF-style: chr19-590394-G-T. GRCh37 (hg19) VCF-style: chr19-590394-G-T.
Other names: p.Gly150Val; short protein forms G150V.
Identifiers: ClinVar variation 2671836 (VCV002671836.2), dbSNP rs1172334880, ClinGen allele CA402869099.

ClinVar aggregate classification (germline): Uncertain significance (1 of 4 stars; one submission).

Conditions:
Cardiomyopathy (CMYO). Also called: Cardiomyopathies. Identifiers: Orphanet 167848, MedGen C0878544, MONDO:0004994, HP:0001638. Inheritance: Various modes of inheritance.

Submission:

Petrovsky National Research Centre of Surgery, The Federal Agency for Scientific Organizations
Classification: Uncertain significance for Cardiomyopathy. Last evaluated: 2023-07-12. Review status: criteria provided, single submitter. Criteria: ACMG Guidelines, 2015. Collection method: clinical testing. Allele origin: germline. Affected: yes.
Comment: This variant is absent in The Genome Aggregation Database (gnomAD) v2.1.1 and v.3.1.2 (Date of access 12-07-2023). Most in silico predictors show benign result of the protein change. This variant has not been reported in any study to our knowledge. In accordance with ACMG(2015) this variant is classified as Variant of Uncertain Significance (VUS) with following criteria selected: PM2, BP4.